The following is an entry in ClinVar:

ClinVar aggregate classification (germline): Uncertain significance (1 of 4 stars; one submission).

Allele frequency attached by ClinVar (database versions not stated): TOPMed below 0.00001; gnomAD 0.00001.
gnomAD v4.1: 6 of 1,603,182 alleles (0.00037%); highest among the groups gnomAD compares: Non-Finnish European, 0.00051%; no homozygotes.

Submission:

Ambry Genetics
Classification: Uncertain significance. Last evaluated: 2023-07-27. Review status: criteria provided, single submitter. Criteria: Ambry Variant Classification Scheme 2023. Collection method: clinical testing. Allele origin: germline.
Comment: The p.R536Q variant (also known as c.1607G>A), located in coding exon 14 of the RAD54L gene, results from a G to A substitution at nucleotide position 1607. The arginine at codon 536 is replaced by glutamine, an amino acid with highly similar properties. This amino acid position is conserved. In addition, the in silico prediction for this alteration is inconclusive. Since supporting evidence is limited at this time, the clinical significance of this alteration remains unclear.

NM_003579.4(RAD54L):c.1607G>A (p.Arg536Gln)

Gene: RAD54L (RAD54 like; plus strand). Cytogenetic location: 1p34.1.
Variant type: single nucleotide variant.
Coding change: c.1607G>A on transcript NM_003579.4 (MANE Select); coding-DNA position 1607, G replaced by A.
Protein change: p.Arg536Gln; replaces arginine 536 with glutamine.
Molecular consequence: missense variant.
Genome position (GRCh38, 1-based): chr1:46,273,744, G>A. VCF-style: chr1-46273744-G-A. GRCh37 (hg19) VCF-style: chr1-46739416-G-A.
Other names: c.1607G>A, p.Arg536Gln (NM_001142548.2); c.1067G>A, p.Arg356Gln (NM_001370766.1); short protein forms R356Q, R536Q.
Identifiers: ClinVar variation 1776316 (VCV001776316.3), dbSNP rs796512991, ClinGen allele CA21897915.